The following is an entry in ClinVar:

ClinVar aggregate classification (germline): Pathogenic/Likely pathogenic. Review status: criteria provided, multiple submitters, no conflicts (2 of 4 stars). 6 submissions from 6 submitters: Pathogenic (5); Likely pathogenic (1). Last evaluated 2026-05-29.

Conditions:
Hereditary cancer-predisposing syndrome. Also called: Neoplastic Syndromes, Hereditary; Hereditary Cancer Syndrome; Hereditary neoplastic syndrome; Tumor predisposition. Identifiers: Orphanet 140162, MedGen C0027672, MeSH D009386, MONDO:0015356.
Retinoblastoma (RB1). Also called: RETINOBLASTOMA, SOMATIC. Identifiers: Orphanet 790, MedGen C0035335, MeSH D012175, MONDO:0008380, OMIM 180200, HP:0009919. Disease mechanism: loss of function. Inheritance: Both sporadic and heritable forms are tested..

Submissions (6):

Diller/Parad Lab, Dana-Farber/Harvard Cancer Center
Classification: Likely pathogenic for Retinoblastoma. Last evaluated: 2026-05-29. Review status: criteria provided, single submitter. Criteria: ACMG Guidelines, 2015. Collection method: research. Allele origin: germline. Affected: yes.
Comment: It has been classified as Likely Pathogenic using Richards et al (PMID:25741868) based on the following evidence codes: PM2, PVS1.

St. Jude Molecular Pathology, St. Jude Children's Research Hospital
Classification: Pathogenic for Retinoblastoma. Last evaluated: 2026-02-11. Review status: criteria provided, single submitter. Criteria: St. Jude Assertion Criteria 2020. Collection method: clinical testing. Allele origin: germline.
Comment: The RB1 c.772_776del p.(Asn258GlufsTer11) change deletes five nucleotides to cause a frameshift and the creation of a premature stop cod on. This change is predicted to cause protein truncation or absence of protein due to nonsense-mediated decay. This variant has been reported in individuals with retinoblastoma (PMID: 11189328, 22180099, 26396485, internal data). This variant is also abs ent in gnomAD v2.1.1. In summary, this variant meets criteria to be classified as pathogenic.

Ambry Genetics
Classification: Pathogenic for Hereditary cancer-predisposing syndrome. Last evaluated: 2025-09-16. Review status: criteria provided, single submitter. Criteria: Ambry Variant Classification Scheme 2023. Collection method: clinical testing. Allele origin: germline.
Comment: The c.772_776delAACAG pathogenic mutation, located in coding exon 8 of the RB1 gene, results from a deletion of 5 nucleotides at nucleotide positions 772 to 776, causing a translational frameshift with a predicted alternate stop codon (p.N258Efs*11). This mutation was previously seen in a retinoblastoma patient (de Oliveira Reis AH et al. Pediatr Blood Cancer, 2012 Jul;59:39-43). This variant is considered to be rare based on population cohorts in the Genome Aggregation Database (gnomAD). In addition to the clinical data presented in the literature, this alteration is expected to result in loss of function by premature protein truncation or nonsense-mediated mRNA decay. As such, this alteration is interpreted as a disease-causing mutation.

Genetic Diagnostic Laboratory, University of Pennsylvania School of Medicine
Classification: Pathogenic for Retinoblastoma. Last evaluated: 2024-05-20. Review status: criteria provided, single submitter. Criteria: ACMG Guidelines, 2015. Collection method: clinical testing. Allele origin: germline. Affected: yes. Observed: 2 variant alleles.
Comment: Case and Pedigree Information: BILATERAL CASES:2, UNILATERAL CASES:0, TOTAL CASES:2, PEDIGREES:2. ACMG Codes Applied:PVS1, PM2

GeneDx
Classification: Pathogenic. Last evaluated: 2023-03-31. Review status: criteria provided, single submitter. Criteria: GeneDx Variant Classification Process June 2021. Collection method: clinical testing. Allele origin: germline. Affected: yes.
Comment: Frameshift variant predicted to result in protein truncation or nonsense mediated decay in a gene for which loss of function is a known mechanism of disease; Not observed at significant frequency in large population cohorts (gnomAD); This variant is associated with the following publications: (PMID: 11189328, 17096365, 22180099, 34645364, 17960112, 26396485)

Labcorp Genetics (formerly Invitae), Labcorp
Classification: Pathogenic for Retinoblastoma. Last evaluated: 2023-02-25. Review status: criteria provided, single submitter. Criteria: Invitae Variant Classification Sherloc (09022015). Collection method: clinical testing. Allele origin: germline.
Comment: This variant is not present in population databases (gnomAD no frequency). This sequence change creates a premature translational stop signal (p.Asn258Glufs*11) in the RB1 gene. It is expected to result in an absent or disrupted protein product. Loss-of-function variants in RB1 are known to be pathogenic (PMID: 17096365). This premature translational stop signal has been observed in individuals with retinoblastoma (PMID: 11189328, 22180099, 26396485). It has also been observed to segregate with disease in related individuals. For these reasons, this variant has been classified as Pathogenic. ClinVar contains an entry for this variant (Variation ID: 576809).

Literature cited by the submitters: PubMed 11189328 (cited by Ambry Genetics and Labcorp Genetics (formerly Invitae), Labcorp); PubMed 22180099 (cited by Ambry Genetics and Labcorp Genetics (formerly Invitae), Labcorp); PubMed 17096365 (cited by Labcorp Genetics (formerly Invitae), Labcorp); PubMed 26396485 (cited by Labcorp Genetics (formerly Invitae), Labcorp).

NM_000321.3(RB1):c.772_776del (p.Asn258fs)

Gene: RB1 (RB transcriptional corepressor 1; plus strand). Cytogenetic location: 13q14.2.
Variant type: Deletion.
Coding change: c.772_776del on transcript NM_000321.3 (MANE Select); coding-DNA positions 772 to 776, 5 bases deleted (AACAG; older notation c.772_776delAACAG).
Protein change: p.Asn258fs; shifts the reading frame from asparagine 258.
Molecular consequence: frameshift variant.
Genome position (GRCh38, 1-based): chr13:48,362,868-48,362,872, AACAG deleted; deleting any 5 consecutive bases within chr13:48,362,865-48,362,872 gives the same sequence; the c. name uses the placement nearest the transcript's 3' end. VCF-style (leftmost placement, unchanged base first): chr13-48362864-TCAGAA-T. GRCh37 (hg19) VCF-style: chr13-48937000-TCAGAA-T.
Other names: c.772_776delAACAG (NM_000321.2); short protein forms N258fs.
Identifiers: ClinVar variation 576809 (VCV000576809.17), dbSNP rs1566192530, ClinGen allele CA645578628.